The following is an entry in ClinVar:

NM_001393530.1(MATN4):c.1598G>A (p.Gly533Glu)

Gene: MATN4 (matrilin 4; minus strand). Cytogenetic location: 20q13.12.
Variant type: single nucleotide variant.
Coding change: c.1598G>A on transcript NM_001393530.1 (MANE Select); coding-DNA position 1598, G replaced by A.
Protein change: p.Gly533Glu; replaces glycine 533 with glutamic acid.
Molecular consequence: missense variant.
Genome position (GRCh38, 1-based): chr20:45,293,997, C>T on the plus strand (G>A on the coding strand, the complement: MATN4 is on the minus strand). VCF-style: chr20-45293997-C-T. GRCh37 (hg19) VCF-style: chr20-43922637-C-T.
Other names: c.1598G>A, p.Gly533Glu (NM_001393531.1, NM_003833.5); c.1475G>A, p.Gly492Glu (NM_030590.4); c.1352G>A, p.Gly451Glu (NM_030592.4); short protein forms G451E, G492E, G533E.
Identifiers: ClinVar variation 3041719 (VCV003041719.2), dbSNP rs79708482, ClinGen allele CA9875874.

ClinVar aggregate classification (germline): Benign (0 of 4 stars; one submission).

Conditions:
MATN4-related disorder. Also called: MATN4-related condition.

Allele frequency attached by ClinVar (database versions not stated): gnomAD exomes 0.00096; ExAC 0.00314; gnomAD 0.00939; TOPMed 0.01088; 1000 Genomes Project 0.01098; ESP Exome Variant Server 0.01115; 1000 Genomes Project 30x 0.01124.
gnomAD v4.1: 2,887 of 1,602,514 alleles (0.18%); highest among the groups gnomAD compares: African/African-American, 3.3%; 46 homozygotes.

Submission:

PreventionGenetics, part of Exact Sciences
Classification: Benign for MATN4-related condition. Last evaluated: 2019-05-08. Review status: no assertion criteria provided. Collection method: clinical testing. Allele origin: germline.
Comment: This variant is classified as benign based on ACMG/AMP sequence variant interpretation guidelines (Richards et al. 2015 PMID: 25741868, with internal and published modifications).